The following is an entry in ClinVar:

ClinVar aggregate classification (germline): Pathogenic (1 of 4 stars; one submission).

Conditions:
Familial thoracic aortic aneurysm and aortic dissection (TAAD). Also called: Thoracic aortic aneurysms and dissections. Identifiers: Orphanet 91387, MedGen C4707243, MONDO:0019625.

Submission:

Labcorp Genetics (formerly Invitae), Labcorp
Classification: Pathogenic for Familial thoracic aortic aneurysm and aortic dissection. Last evaluated: 2023-06-16. Review status: criteria provided, single submitter. Criteria: Invitae Variant Classification Sherloc (09022015). Collection method: clinical testing. Allele origin: germline.
Comment: For these reasons, this variant has been classified as Pathogenic. This variant disrupts the p.Pro263 amino acid residue in SMAD3. Other variant(s) that disrupt this residue have been observed in individuals with SMAD3-related conditions (PMID: 22167769; Invitae), which suggests that this may be a clinically significant amino acid residue. Advanced modeling performed at Invitae incorporating data from internal and/or published experimental studies (Invitae) indicates that this missense variant is expected to disrupt SMAD3 function. ClinVar contains an entry for this variant (Variation ID: 213764). This missense change has been observed in individuals with aortic dissection or aneurysm (PMID: 30661052; Invitae). It has also been observed to segregate with disease in related individuals. This variant is not present in population databases (gnomAD no frequency). This sequence change replaces proline, which is neutral and non-polar, with alanine, which is neutral and non-polar, at codon 263 of the SMAD3 protein (p.Pro263Ala).

Literature cited by the submitters: PubMed 22167769; PubMed 30661052.

NM_005902.4(SMAD3):c.787C>G (p.Pro263Ala)

Gene: SMAD3 (SMAD family member 3; plus strand). Cytogenetic location: 15q22.33.
Variant type: single nucleotide variant.
Coding change: c.787C>G on transcript NM_005902.4 (MANE Select); coding-DNA position 787, C replaced by G.
Protein change: p.Pro263Ala; replaces proline 263 with alanine.
Molecular consequence: missense variant.
Genome position (GRCh38, 1-based): chr15:67,181,369, C>G. VCF-style: chr15-67181369-C-G. GRCh37 (hg19) VCF-style: chr15-67473707-C-G.
Other names: c.472C>G, p.Pro158Ala (NM_001145102.2); c.655C>G, p.Pro219Ala (NM_001145103.2); c.202C>G, p.Pro68Ala (NM_001145104.2); short protein forms P263A, P219A, P158A, P68A.
Identifiers: ClinVar variation 213764 (VCV000213764.10), dbSNP rs863223739, ClinGen allele CA321192.